The following is an entry in ClinVar:

ClinVar aggregate classification (germline): Uncertain significance. Review status: criteria provided, multiple submitters, no conflicts (2 of 4 stars). 2 submissions from 2 submitters: Uncertain significance (2). Last evaluated 2025-06-17.

gnomAD v4.1: 1 of 1,610,766 alleles (0.000062%); no homozygotes.

Submissions (2):

Labcorp Genetics (formerly Invitae), Labcorp
Classification: Uncertain significance. Last evaluated: 2025-06-17. Review status: criteria provided, single submitter. Criteria: Invitae Variant Classification Sherloc (09022015). Collection method: clinical testing. Allele origin: germline.
Comment: This sequence change replaces lysine, which is basic and polar, with threonine, which is neutral and polar, at codon 625 of the CRAT protein (p.Lys625Thr). This variant is present in population databases (no rsID available, gnomAD no frequency). This variant has not been reported in the literature in individuals affected with CRAT-related conditions. ClinVar contains an entry for this variant (Variation ID: 3836212). An algorithm developed to predict the effect of missense changes on protein structure and function (PolyPhen-2) suggests that this variant is likely to be disruptive. In summary, the available evidence is currently insufficient to determine the role of this variant in disease. Therefore, it has been classified as a Variant of Uncertain Significance.

Ambry Genetics
Classification: Uncertain significance. Last evaluated: 2024-12-16. Review status: criteria provided, single submitter. Criteria: Ambry Variant Classification Scheme 2023. Collection method: clinical testing. Allele origin: germline.

NM_000755.5(CRAT):c.1874A>C (p.Lys625Thr)

Gene: CRAT (carnitine O-acetyltransferase; minus strand). Cytogenetic location: 9q34.11.
Variant type: single nucleotide variant.
Coding change: c.1874A>C on transcript NM_000755.5 (MANE Select); coding-DNA position 1874, A replaced by C.
Protein change: p.Lys625Thr; replaces lysine 625 with threonine.
Molecular consequence: missense variant.
Genome position (GRCh38, 1-based): chr9:129,095,404, T>G on the plus strand (A>C on the coding strand, the complement: CRAT is on the minus strand). VCF-style: chr9-129095404-T-G. GRCh37 (hg19) VCF-style: chr9-131857683-T-G.
Other names: c.1811A>C, p.Lys604Thr (NM_001257363.3, NM_004003.4); c.1877A>C, p.Lys626Thr (NM_001346546.2); c.1802A>C, p.Lys601Thr (NM_001346547.2); c.1739A>C, p.Lys580Thr (NM_001346548.2); c.1754A>C, p.Lys585Thr (NM_001346549.2); short protein forms K580T, K604T, K625T, K585T, K601T, K626T.
Identifiers: ClinVar variation 3836212 (VCV003836212.2).